The following is an entry in ClinVar:

ClinVar aggregate classification (germline): Likely benign. Review status: criteria provided, multiple submitters, no conflicts (2 of 4 stars). 2 submissions from 2 submitters: Likely benign (2). Last evaluated 2026-02-01.

Conditions:
Amyotrophic lateral sclerosis type 1 (ALS1). Also called: AMYOTROPHIC LATERAL SCLEROSIS 1, FAMILIAL. Identifiers: Orphanet 803, MedGen C1862939, MONDO:0007103, OMIM 105400.
Perry syndrome. Also called: PARKINSONISM WITH ALVEOLAR HYPOVENTILATION AND MENTAL DEPRESSION. Identifiers: Orphanet 178509, MedGen C1868594, MONDO:0008201, OMIM 168605.
Neuronopathy, distal hereditary motor, type 7B. Also called: NEUROPATHY, DISTAL HEREDITARY MOTOR, HARDING TYPE VIIB; NEUROPATHY, DISTAL HEREDITARY MOTOR, WITH VOCAL CORD PARALYSIS, HARDING TYPE VIIB; HMN VIIB; LOWER MOTOR NEURON DISEASE, DYNACTIN TYPE; NEURONOPATHY, DISTAL HEREDITARY MOTOR, AUTOSOMAL DOMINANT 14; NEURONOPATHY, DISTAL HEREDITARY MOTOR, HARDING TYPE VIIB. Identifiers: Orphanet 139589, MedGen C1843315, MONDO:0011879, OMIM 607641.

Allele frequency attached by ClinVar (database versions not stated): TOPMed below 0.00001; gnomAD exomes 0.00005; gnomAD 0.00007; ExAC 0.00016; 1000 Genomes Project 30x 0.00047; 1000 Genomes Project 0.00060.
gnomAD v4.1: 85 of 1,613,486 alleles (0.0053%); highest among the groups gnomAD compares: South Asian, 0.081%; no homozygotes.

Submissions (2):

CeGaT Center for Human Genetics Tuebingen
Classification: Likely benign. Last evaluated: 2026-02-01. Review status: criteria provided, single submitter. Criteria: CeGaT Center For Human Genetics Tuebingen Variant Classification Criteria Version 2. Collection method: clinical testing. Allele origin: germline. Affected: yes. Observed: 1 variant allele.
Comment: DCTN1: BP4

Labcorp Genetics (formerly Invitae), Labcorp
Classification: Likely benign for Amyotrophic lateral sclerosis type 1; Neuronopathy, distal hereditary motor, type 7B; Perry syndrome. Last evaluated: 2025-10-08. Review status: criteria provided, single submitter. Criteria: Invitae Variant Classification Sherloc (09022015). Collection method: clinical testing. Allele origin: germline.

NM_004082.5(DCTN1):c.3511A>G (p.Ile1171Val)

Gene: DCTN1 (dynactin subunit 1; minus strand). Cytogenetic location: 2p13.1.
Variant type: single nucleotide variant.
Coding change: c.3511A>G on transcript NM_004082.5 (MANE Select); coding-DNA position 3511, A replaced by G.
Protein change: p.Ile1171Val; replaces isoleucine 1171 with valine.
Molecular consequence: missense variant. On other transcripts: non-coding transcript variant (1).
Genome position (GRCh38, 1-based): chr2:74,363,012, T>C on the plus strand (A>G on the coding strand, the complement: DCTN1 is on the minus strand). VCF-style: chr2-74363012-T-C. GRCh37 (hg19) VCF-style: chr2-74590139-T-C.
Other names: c.3436A>G, p.Ile1146Val (NM_001135040.3); c.3094A>G, p.Ile1032Val (NM_001135041.3); c.3385A>G, p.Ile1129Val (NM_001190836.2); c.3490A>G, p.Ile1164Val (NM_001190837.2); c.3460A>G, p.Ile1154Val (NM_001378991.1); c.3442A>G, p.Ile1148Val (NM_001378992.1); c.3109A>G, p.Ile1037Val (NM_023019.4); short protein forms I1032V, I1037V, I1146V, I1129V, I1148V, I1154V, I1164V, I1171V.
Identifiers: ClinVar variation 2926115 (VCV002926115.7), dbSNP rs375230951, ClinGen allele CA1721474.